The following is an entry in ClinVar:

ClinVar aggregate classification (germline): Conflicting classifications of pathogenicity. Review status: criteria provided, conflicting classifications (1 of 4 stars). 3 submissions from 3 submitters: Likely pathogenic (2); Uncertain significance (1). Last evaluated 2024-12-27.

Conditions:
TYR-related disorder. Also called: TYR-related condition.
Oculocutaneous albinism type 1A (OCA1A). Also called: Albinism, oculocutaneous, type IA. Identifiers: Orphanet 352731, Orphanet 79431, MedGen C4551504, MONDO:0008745, OMIM 203100. Disease mechanism: loss of function.

Allele frequency attached by ClinVar (database versions not stated): gnomAD exomes below 0.00001.
gnomAD v4.1: 5 of 1,614,204 alleles (0.00031%); highest among the groups gnomAD compares: Non-Finnish European, 0.00025%; no homozygotes.

Submissions (3):

GeneDx
Classification: Uncertain significance. Last evaluated: 2024-12-27. Review status: criteria provided, single submitter. Criteria: GeneDx Variant Classification Process June 2021. Collection method: clinical testing. Allele origin: germline. Affected: yes.
Comment: Not observed at significant frequency in large population cohorts (gnomAD); In silico analysis supports that this missense variant has a deleterious effect on protein structure/function; Has not been previously published as pathogenic or benign to our knowledge

Blueprint Genetics
Classification: Likely pathogenic for TYR-related disorders. Last evaluated: 2023-06-18. Review status: criteria provided, single submitter. Criteria: ACMG Guidelines, 2015. Collection method: clinical testing. Allele origin: germline. Affected: yes. Observed: 2 variant alleles.

Genetic Services Laboratory, University of Chicago
Classification: Likely pathogenic for Albinism, oculocutaneous, type IA. Last evaluated: 2016-08-18. Review status: criteria provided, single submitter. Criteria: ACMG Guidelines, 2015. Collection method: clinical testing. Allele origin: germline. Affected: yes.

NM_000372.5(TYR):c.101A>C (p.Glu34Ala)

Gene: TYR (tyrosinase; plus strand). Cytogenetic location: 11q14.3.
Variant type: single nucleotide variant.
Coding change: c.101A>C on transcript NM_000372.5 (MANE Select); coding-DNA position 101, A replaced by C.
Protein change: p.Glu34Ala; replaces glutamic acid 34 with alanine.
Molecular consequence: missense variant.
Genome position (GRCh38, 1-based): chr11:89,178,054, A>C. VCF-style: chr11-89178054-A-C. GRCh37 (hg19) VCF-style: chr11-88911222-A-C.
Other names: short protein forms E34A.
Identifiers: ClinVar variation 437174 (VCV000437174.8), dbSNP rs1555083355, ClinGen allele CA382033413.